The following is an entry in ClinVar:

NM_003072.5(SMARCA4):c.3591C>T (p.Asn1197=)

Gene: SMARCA4 (SWI/SNF related BAF chromatin remodeling complex subunit ATPase 4; plus strand). Cytogenetic location: 19p13.2.
Variant type: single nucleotide variant.
Coding change: c.3591C>T on transcript NM_003072.5 (MANE Select); coding-DNA position 3591, C replaced by T.
Protein change: p.Asn1197=; no amino-acid change (asparagine 1197 retained).
Molecular consequence: synonymous variant. On other transcripts: non-coding transcript variant (1).
Genome position (GRCh38, 1-based): chr19:11,033,334, C>T. VCF-style: chr19-11033334-C-T. GRCh37 (hg19) VCF-style: chr19-11144010-C-T.
Other names: c.3591C>T, p.Asn1197= (NM_001374457.1, NM_001387283.1, NM_001128844.3 and 5 more transcripts).
Identifiers: ClinVar variation 415153 (VCV000415153.25), dbSNP rs377275724, ClinGen allele CA9204473.

ClinVar aggregate classification (germline): Benign/Likely benign. Review status: criteria provided, multiple submitters, no conflicts (2 of 4 stars). 5 submissions from 5 submitters: Benign (1); Likely benign (4). Last evaluated 2026-07-15.

Conditions:
Hereditary cancer-predisposing syndrome. Also called: Hereditary Cancer Syndrome; Hereditary neoplastic syndrome; Neoplastic Syndromes, Hereditary; Tumor predisposition. Identifiers: Orphanet 140162, MedGen C0027672, MeSH D009386, MONDO:0015356.
Rhabdoid tumor predisposition syndrome 2 (RTPS2). Identifiers: Orphanet 231108, Orphanet 69077, MedGen C2750074, MONDO:0013224, OMIM 613325.

Allele frequency attached by ClinVar (database versions not stated): gnomAD 0.00001; gnomAD exomes 0.00001; TOPMed below 0.00001; ExAC 0.00001; ESP Exome Variant Server 0.00008.
gnomAD v4.1: 12 of 1,613,060 alleles (0.00074%); highest among the groups gnomAD compares: African/African-American, 0.0013%; no homozygotes.

Submissions (5):

Myriad Genetics, Inc.
Classification: Benign for Rhabdoid tumor predisposition syndrome 2. Last evaluated: 2026-07-15. Review status: criteria provided, single submitter. Criteria: Myriad Autosomal Dominant, Autosomal Recessive and X-Linked Classification Criteria (2023). Collection method: clinical testing. Allele origin: unknown.
Comment: This variant is considered benign. This variant is a silent/synonymous amino acid change and it is not expected to impact splicing.

Labcorp Genetics (formerly Invitae), Labcorp
Classification: Likely benign for Rhabdoid tumor predisposition syndrome 2. Last evaluated: 2025-10-21. Review status: criteria provided, single submitter. Criteria: Invitae Variant Classification Sherloc (09022015). Collection method: clinical testing. Allele origin: germline.

CeGaT Center for Human Genetics Tuebingen
Classification: Likely benign. Last evaluated: 2025-07-01. Review status: criteria provided, single submitter. Criteria: CeGaT Center For Human Genetics Tuebingen Variant Classification Criteria Version 2. Collection method: clinical testing. Allele origin: germline. Affected: yes. Observed: 1 variant allele.
Comment: SMARCA4: BP4, BP7

Quest Diagnostics Nichols Institute San Juan Capistrano
Classification: Likely benign. Last evaluated: 2023-05-07. Review status: criteria provided, single submitter. Criteria: Quest Diagnostics criteria. Collection method: clinical testing. Allele origin: unknown.

Ambry Genetics
Classification: Likely benign for Hereditary cancer-predisposing syndrome. Last evaluated: 2015-10-20. Review status: criteria provided, single submitter. Criteria: Ambry Variant Classification Scheme 2023. Collection method: clinical testing. Allele origin: germline.